The following is an entry in ClinVar:

ClinVar aggregate classification (germline): Uncertain significance. Review status: criteria provided, multiple submitters, no conflicts (2 of 4 stars). 2 submissions from 2 submitters: Uncertain significance (2). Last evaluated 2026-08-27.

Conditions:
PCNT-related disorder. Also called: PCNT-related condition.
Inborn genetic diseases. Identifiers: MedGen C0950123, MeSH D030342.

Allele frequency attached by ClinVar (database versions not stated): ExAC 0.00001; gnomAD 0.00001; gnomAD exomes 0.00001; TOPMed 0.00001.
gnomAD v4.1: 13 of 1,596,978 alleles (0.00081%); highest among the groups gnomAD compares: Non-Finnish European, 0.0011%; no homozygotes.

Submissions (2):

PreventionGenetics, part of Exact Sciences
Classification: Uncertain significance for PCNT-related condition. Last evaluated: 2026-08-27. Review status: criteria provided, single submitter. Criteria: ACMG Guidelines, 2015. Collection method: clinical testing. Allele origin: germline.
Comment: The PCNT c.5873A>T variant is predicted to result in the amino acid substitution p.His1958Leu. To our knowledge, this variant has not been reported in the literature. This variant is reported in 0.0020% of alleles in individuals of European (Non-Finnish) descent in gnomAD. At this time, the clinical significance of this variant is uncertain due to the absence of conclusive functional and genetic evidence.

Ambry Genetics
Classification: Uncertain significance for Inborn genetic diseases. Last evaluated: 2023-03-02. Review status: criteria provided, single submitter. Criteria: Ambry Variant Classification Scheme 2023. Collection method: clinical testing. Allele origin: germline.

NM_006031.6(PCNT):c.5873A>T (p.His1958Leu)

Gene: PCNT (pericentrin; plus strand). Cytogenetic location: 21q22.3.
Variant type: single nucleotide variant.
Coding change: c.5873A>T on transcript NM_006031.6 (MANE Select); coding-DNA position 5873, A replaced by T.
Protein change: p.His1958Leu; replaces histidine 1958 with leucine.
Molecular consequence: missense variant.
Genome position (GRCh38, 1-based): chr21:46,411,946, A>T. VCF-style: chr21-46411946-A-T. GRCh37 (hg19) VCF-style: chr21-47831860-A-T.
Other names: c.5519A>T, p.His1840Leu (NM_001315529.2); short protein forms H1958L, H1840L.
Identifiers: ClinVar variation 2493584 (VCV002493584.6), dbSNP rs771398655, ClinGen allele CA10080107.
Genomic context (GRCh38, chr21:46,411,946, plus strand): 5'-AGCGGTTCCTGAGGTGCCAGGTGGAGCTGGACAGGCGGCAGGCCCGCAGAGCCACAGCTC[A>T]CACACGGGTGCCCGGGGCCCACCCACAGCCTCGCATGGATGGTGGCGCCAAGGCCCAGGT-3'
Protein context (NP_006022.3, residues 1948-1968): DRRQARRATA[His1958Leu]TRVPGAHPQP